The following is an entry in ClinVar:

ClinVar aggregate classification (germline): Uncertain significance. Review status: criteria provided, multiple submitters, no conflicts (2 of 4 stars). 2 submissions from 2 submitters: Uncertain significance (2). Last evaluated 2022-05-20.

Allele frequency attached by ClinVar (database versions not stated): ExAC 0.00002; TOPMed 0.00002; gnomAD 0.00003.
gnomAD v4.1: 138 of 1,613,810 alleles (0.0086%); highest among the groups gnomAD compares: Non-Finnish European, 0.011%; no homozygotes.

Submissions (2):

Labcorp Genetics (formerly Invitae), Labcorp
Classification: Uncertain significance. Last evaluated: 2022-05-20. Review status: criteria provided, single submitter. Criteria: Invitae Variant Classification Sherloc (09022015). Collection method: clinical testing. Allele origin: germline.
Comment: This sequence change replaces arginine, which is basic and polar, with tryptophan, which is neutral and slightly polar, at codon 26 of the CNGB3 protein (p.Arg26Trp). This variant is present in population databases (rs752014086, gnomAD 0.01%). This variant has not been reported in the literature in individuals affected with CNGB3-related conditions. Advanced modeling of protein sequence and biophysical properties (such as structural, functional, and spatial information, amino acid conservation, physicochemical variation, residue mobility, and thermodynamic stability) performed at Invitae indicates that this missense variant is not expected to disrupt CNGB3 protein function. In summary, the available evidence is currently insufficient to determine the role of this variant in disease. Therefore, it has been classified as a Variant of Uncertain Significance.

Blueprint Genetics
Classification: Uncertain significance. Last evaluated: 2021-12-10. Review status: criteria provided, single submitter. Criteria: ACMG Guidelines, 2015. Collection method: clinical testing. Allele origin: germline.

NM_019098.5(CNGB3):c.76C>T (p.Arg26Trp)

Gene: CNGB3 (cyclic nucleotide gated channel subunit beta 3; minus strand). Cytogenetic location: 8q21.3.
Variant type: single nucleotide variant.
Coding change: c.76C>T on transcript NM_019098.5 (MANE Select); coding-DNA position 76, C replaced by T.
Protein change: p.Arg26Trp; replaces arginine 26 with tryptophan.
Molecular consequence: missense variant.
Genome position (GRCh38, 1-based): chr8:86,743,552, G>A on the plus strand (C>T on the coding strand, the complement: CNGB3 is on the minus strand). VCF-style: chr8-86743552-G-A. GRCh37 (hg19) VCF-style: chr8-87755780-G-A.
Other names: short protein forms R26W.
Identifiers: ClinVar variation 2153048 (VCV002153048.2), dbSNP rs752014086, ClinGen allele CA4800537.